The following is an entry in ClinVar:

NM_020778.5(ALPK3):c.2571_2573del (p.Ala858del)

Gene: ALPK3 (alpha kinase 3; plus strand). Cytogenetic location: 15q25.3.
Variant type: Deletion.
Coding change: c.2571_2573del on transcript NM_020778.5 (MANE Select); coding-DNA positions 2571 to 2573, 3 bases deleted (AGC; older notation c.2571_2573delAGC).
Protein change: p.Ala858del; deletes alanine 858.
Molecular consequence: inframe deletion.
Genome position (GRCh38, 1-based): chr15:84,857,309-84,857,311, AGC deleted. VCF-style (leftmost placement, unchanged base first): chr15-84857308-TAGC-T. GRCh37 (hg19) VCF-style: chr15-85400539-TAGC-T.
Other names: short protein forms A858del.
Identifiers: ClinVar variation 1410175 (VCV001410175.8), dbSNP rs1963876658, ClinGen allele CA972242167.

ClinVar aggregate classification (germline): Uncertain significance (1 of 4 stars; one submission).

Allele frequency attached by ClinVar (database versions not stated): gnomAD exomes below 0.00001; TOPMed below 0.00001; gnomAD 0.00001.

Submission:

Labcorp Genetics (formerly Invitae), Labcorp
Classification: Uncertain significance. Last evaluated: 2024-04-25. Review status: criteria provided, single submitter. Criteria: Invitae Variant Classification Sherloc (09022015). Collection method: clinical testing. Allele origin: germline.
Comment: This variant, c.3177_3179del, results in the deletion of 1 amino acid(s) of the ALPK3 protein (p.Ala1060del), but otherwise preserves the integrity of the reading frame. This variant is not present in population databases (gnomAD no frequency). This variant has not been reported in the literature in individuals affected with ALPK3-related conditions. ClinVar contains an entry for this variant (Variation ID: 1410175). Experimental studies and prediction algorithms are not available or were not evaluated, and the functional significance of this variant is currently unknown. In summary, the available evidence is currently insufficient to determine the role of this variant in disease. Therefore, it has been classified as a Variant of Uncertain Significance.